The following is an entry in ClinVar:

ClinVar aggregate classification (germline): Uncertain significance. Review status: criteria provided, multiple submitters, no conflicts (2 of 4 stars). 2 submissions from 2 submitters: Uncertain significance (2). Last evaluated 2022-02-28.

Allele frequency attached by ClinVar (database versions not stated): gnomAD exomes below 0.00001.
gnomAD v4.1: 4 of 1,612,882 alleles (0.00025%); highest among the groups gnomAD compares: Non-Finnish European, 0.00034%; no homozygotes.

Submissions (2):

Labcorp Genetics (formerly Invitae), Labcorp
Classification: Uncertain significance. Last evaluated: 2022-02-28. Review status: criteria provided, single submitter. Criteria: Invitae Variant Classification Sherloc (09022015). Collection method: clinical testing. Allele origin: germline.
Comment: This variant is not present in population databases (gnomAD no frequency). In summary, the available evidence is currently insufficient to determine the role of this variant in disease. Therefore, it has been classified as a Variant of Uncertain Significance. Algorithms developed to predict the effect of missense changes on protein structure and function are either unavailable or do not agree on the potential impact of this missense change (SIFT: "Deleterious"; PolyPhen-2: "Benign"; Align-GVGD: "Class C0"). ClinVar contains an entry for this variant (Variation ID: 1304351). This variant has not been reported in the literature in individuals affected with ITPR1-related conditions. This sequence change replaces arginine, which is basic and polar, with glycine, which is neutral and non-polar, at codon 611 of the ITPR1 protein (p.Arg611Gly).

GeneDx
Classification: Uncertain significance. Last evaluated: 2019-12-30. Review status: criteria provided, single submitter. Criteria: GeneDx Variant Classification Process June 2021. Collection method: clinical testing. Allele origin: germline. Affected: yes.
Comment: Not observed in large population cohorts (Lek et al., 2016); In silico analysis, which includes protein predictors and evolutionary conservation, supports a deleterious effect; Has not been previously published as pathogenic or benign to our knowledge

NM_001378452.1(ITPR1):c.1876A>G (p.Arg626Gly)

Gene: ITPR1 (inositol 1,4,5-trisphosphate receptor type 1; plus strand). Cytogenetic location: 3p26.1.
Variant type: single nucleotide variant.
Coding change: c.1876A>G on transcript NM_001378452.1 (MANE Select); coding-DNA position 1876, A replaced by G.
Protein change: p.Arg626Gly; replaces arginine 626 with glycine.
Molecular consequence: missense variant.
Genome position (GRCh38, 1-based): chr3:4,667,539, A>G. VCF-style: chr3-4667539-A-G. GRCh37 (hg19) VCF-style: chr3-4709223-A-G.
Other names: c.1876A>G, p.Arg626Gly (NM_001099952.4); c.1831A>G, p.Arg611Gly (NM_001168272.2, NM_002222.7); short protein forms R611G, R626G.
Identifiers: ClinVar variation 1304351 (VCV001304351.6), dbSNP rs2125201991, ClinGen allele CA351643253.